The following is an entry in ClinVar:

NM_000146.4(FTL):c.113T>C (p.Phe38Ser)

Gene: FTL (ferritin light chain; plus strand). Cytogenetic location: 19q13.33.
Variant type: single nucleotide variant.
Coding change: c.113T>C on transcript NM_000146.4 (MANE Select); coding-DNA position 113, T replaced by C.
Protein change: p.Phe38Ser; replaces phenylalanine 38 with serine.
Molecular consequence: missense variant.
Genome position (GRCh38, 1-based): chr19:48,965,780, T>C. VCF-style: chr19-48965780-T-C. GRCh37 (hg19) VCF-style: chr19-49469037-T-C.
Other names: short protein forms F38S.
Identifiers: ClinVar variation 1509909 (VCV001509909.6), dbSNP rs2038445005, ClinGen allele CA406756015.

ClinVar aggregate classification (germline): Uncertain significance (1 of 4 stars; one submission).

Conditions:
Hereditary hyperferritinemia with congenital cataracts. Also called: Hereditary hyperferritinemia cataract syndrome; Bonneau-Beaumont syndrome; HYPERFERRITINEMIA WITH OR WITHOUT CATARACT. Identifiers: Orphanet 163, MedGen C1833213, MONDO:0010952, OMIM 600886.
Neuroferritinopathy (NBIA3). Also called: NEURODEGENERATION WITH BRAIN IRON ACCUMULATION 3; BASAL GANGLIA DISEASE, ADULT-ONSET. Identifiers: Orphanet 157846, MedGen C1853578, MONDO:0011638, OMIM 606159.

Submission:

Labcorp Genetics (formerly Invitae), Labcorp
Classification: Uncertain significance for Neuroferritinopathy; Hereditary hyperferritinemia with congenital cataracts. Last evaluated: 2021-11-22. Review status: criteria provided, single submitter. Criteria: Invitae Variant Classification Sherloc (09022015). Collection method: clinical testing. Allele origin: germline.
Comment: Algorithms developed to predict the effect of missense changes on protein structure and function (SIFT, PolyPhen-2, Align-GVGD) all suggest that this variant is likely to be disruptive. In summary, the available evidence is currently insufficient to determine the role of this variant in disease. Therefore, it has been classified as a Variant of Uncertain Significance. This variant has not been reported in the literature in individuals affected with FTL-related conditions. This variant is not present in population databases (gnomAD no frequency). This sequence change replaces phenylalanine, which is neutral and non-polar, with serine, which is neutral and polar, at codon 38 of the FTL protein (p.Phe38Ser).